The following is an entry in ClinVar:

ClinVar aggregate classification (germline): Uncertain significance (1 of 4 stars; one submission).

Conditions:
Cohen syndrome (COH1). Also called: Cutis verticis gyrata, retinitis pigmentosa, and sensorineural deafness; PEPPER SYNDROME. Identifiers: Orphanet 193, MedGen C0265223, MONDO:0008999, OMIM 216550.

Submission:

Labcorp Genetics (formerly Invitae), Labcorp
Classification: Uncertain significance for Cohen syndrome. Last evaluated: 2020-10-31. Review status: criteria provided, single submitter. Criteria: Invitae Variant Classification Sherloc (09022015). Collection method: clinical testing. Allele origin: germline.
Comment: In summary, the available evidence is currently insufficient to determine the role of this variant in disease. Therefore, it has been classified as a Variant of Uncertain Significance. Algorithms developed to predict the effect of missense changes on protein structure and function are either unavailable or do not agree on the potential impact of this missense change (SIFT: "Not Available"; PolyPhen-2: "Probably Damaging"; Align-GVGD: "Not Available"). This variant has not been reported in the literature in individuals with VPS13B-related conditions. This variant is not present in population databases (ExAC no frequency). This sequence change replaces tyrosine with histidine at codon 1453 of the VPS13B protein (p.Tyr1453His). The tyrosine residue is moderately conserved and there is a moderate physicochemical difference between tyrosine and histidine.

NM_152564.5(VPS13B):c.4282T>C (p.Tyr1428His)

Gene: VPS13B (vacuolar protein sorting 13 homolog B; plus strand). Cytogenetic location: 8q22.2.
Variant type: single nucleotide variant.
Coding change: c.4282T>C on transcript NM_152564.5 (MANE Select); coding-DNA position 4282, T replaced by C.
Protein change: p.Tyr1428His; replaces tyrosine 1428 with histidine.
Molecular consequence: missense variant.
Genome position (GRCh38, 1-based): chr8:99,511,161, T>C. VCF-style: chr8-99511161-T-C. GRCh37 (hg19) VCF-style: chr8-100523389-T-C.
Other names: c.4357T>C, p.Tyr1453His (NM_017890.5); short protein forms Y1453H, Y1428H.
Identifiers: ClinVar variation 1385964 (VCV001385964.6), dbSNP rs2133637231, ClinGen allele CA371871287.
Genomic context (GRCh38, chr8:99,511,161, plus strand): 5'-CAGACAACTACAAAACTTCTAGATGGCACTCATCAGCAGCATGGATTCCTCTCTCTGACA[T>C]ACACAAAAGCTGTAACAAAAAATGTCCGCCACAAGTTAACATCAAGAAATGAGCGAAGAA-3'
Protein context (NP_689777.3, residues 1418-1438): HQQHGFLSLT[Tyr1428His]TKAVTKNVRH